The following is an entry in ClinVar:

ClinVar aggregate classification (germline): Likely benign (1 of 4 stars; one submission).

Submission:

CeGaT Center for Human Genetics Tuebingen
Classification: Likely benign. Last evaluated: 2022-11-01. Review status: criteria provided, single submitter. Criteria: CeGaT Center For Human Genetics Tuebingen Variant Classification Criteria Version 2. Collection method: clinical testing. Allele origin: germline. Affected: yes. Observed: 1 variant allele.
Comment: FASTKD2: PM2:Supporting, BP4, BP7

NM_001136193.2(FASTKD2):c.963A>G (p.Ala321=)

Gene: FASTKD2 (FASTK mitochondrial RNA regulator 2; plus strand). Cytogenetic location: 2q33.3.
Variant type: single nucleotide variant.
Coding change: c.963A>G on transcript NM_001136193.2 (MANE Select); coding-DNA position 963, A replaced by G.
Protein change: p.Ala321=; no amino-acid change (alanine 321 retained).
Molecular consequence: synonymous variant.
Genome position (GRCh38, 1-based): chr2:206,771,263, A>G. VCF-style: chr2-206771263-A-G. GRCh37 (hg19) VCF-style: chr2-207635987-A-G.
Other names: c.963A>G, p.Ala321= (NM_001136194.2, NM_014929.4).
Identifiers: ClinVar variation 2651846 (VCV002651846.24), dbSNP rs2468813398, ClinGen allele CA430930948.